The following is an entry in ClinVar:

ClinVar aggregate classification (germline): Benign/Likely benign. Review status: criteria provided, multiple submitters, no conflicts (2 of 4 stars). 5 submissions from 5 submitters: Benign (1); Likely benign (4). Last evaluated 2025-11-03.

Conditions:
Hereditary cancer-predisposing syndrome. Also called: Hereditary neoplastic syndrome; Neoplastic Syndromes, Hereditary; Tumor predisposition; Hereditary Cancer Syndrome. Identifiers: Orphanet 140162, MedGen C0027672, MeSH D009386, MONDO:0015356.
Familial adenomatous polyposis 1 (FAP1). Also called: POLYPOSIS, ADENOMATOUS INTESTINAL; FAMILIAL ADENOMATOUS POLYPOSIS 1, ATTENUATED. Identifiers: MedGen C2713442, MONDO:0021056, OMIM 175100. Disease mechanism: loss of function.

gnomAD v4.1: 2 of 1,614,200 alleles (0.00012%); highest among the groups gnomAD compares: Non-Finnish European, 0.000085%; no homozygotes.

Submissions (5):

Labcorp Genetics (formerly Invitae), Labcorp
Classification: Likely benign for Familial adenomatous polyposis 1. Last evaluated: 2025-11-03. Review status: criteria provided, single submitter. Criteria: Invitae Variant Classification Sherloc (09022015). Collection method: clinical testing. Allele origin: germline.

Myriad Genetics, Inc.
Classification: Benign for Familial adenomatous polyposis 1. Last evaluated: 2024-03-12. Review status: criteria provided, single submitter. Criteria: Myriad Autosomal Dominant, Autosomal Recessive and X-Linked Classification Criteria (2023). Collection method: clinical testing. Allele origin: unknown.
Comment: This variant is considered benign. This variant is a silent/synonymous amino acid change and it is not expected to impact splicing.

Ambry Genetics
Classification: Likely benign for Hereditary cancer-predisposing syndrome. Last evaluated: 2020-12-01. Review status: criteria provided, single submitter. Criteria: Ambry Variant Classification Scheme 2023. Collection method: clinical testing. Allele origin: germline.

GeneDx
Classification: Likely benign. Last evaluated: 2018-06-29. Review status: criteria provided, single submitter. Criteria: GeneDx Variant Classification Process June 2021. Collection method: clinical testing. Allele origin: germline. Affected: yes.

Color Diagnostics, LLC DBA Color Health
Classification: Likely benign for Hereditary cancer-predisposing syndrome. Last evaluated: 2017-07-25. Review status: criteria provided, single submitter. Criteria: ACMG Guidelines, 2015. Collection method: clinical testing. Allele origin: germline.

NM_000038.6(APC):c.2472A>G (p.Pro824=)

Gene: APC (APC regulator of Wnt signaling pathway; plus strand). Cytogenetic location: 5q22.2.
Variant type: single nucleotide variant.
Coding change: c.2472A>G on transcript NM_000038.6 (MANE Select); coding-DNA position 2472, A replaced by G.
Protein change: p.Pro824=; no amino-acid change (proline 824 retained).
Molecular consequence: synonymous variant.
Genome position (GRCh38, 1-based): chr5:112,838,066, A>G. VCF-style: chr5-112838066-A-G. GRCh37 (hg19) VCF-style: chr5-112173763-A-G.
Other names: c.2472A>G, p.Pro824= (NM_001127510.3, NM_001354895.2); c.2418A>G, p.Pro806= (NM_001127511.3); c.2526A>G, p.Pro842= (NM_001354896.2); c.2502A>G, p.Pro834= (NM_001354897.2); c.2397A>G, p.Pro799= (NM_001354898.2); c.2388A>G, p.Pro796= (NM_001354899.2); c.2349A>G, p.Pro783= (NM_001354900.2); c.2295A>G, p.Pro765= (NM_001354901.2); and 5 more.
Identifiers: ClinVar variation 469748 (VCV000469748.17), dbSNP rs746965994, ClinGen allele CA445962782.
Genomic context (GRCh38, chr5:112,838,066, plus strand): 5'-TCGACATGATGATAATAGGTCAGACAATTTTAATACTGGCAACATGACTGTCCTTTCACC[A>G]TATTTGAATACTACAGTGTTACCCAGCTCCTCTTCATCAAGAGGAAGCTTAGATAGTTCT-3'
Protein context (NP_000029.2, residues 814-834): FNTGNMTVLS[Pro824=]YLNTTVLPSS